The following is an entry in ClinVar:

ClinVar aggregate classification (germline): Benign/Likely benign. Review status: criteria provided, multiple submitters, no conflicts (2 of 4 stars). 2 submissions from 2 submitters: Benign (1); Likely benign (1). Last evaluated 2025-06-05.

Conditions:
Tuberous sclerosis 2 (TSC2). Identifiers: Orphanet 805, MedGen C1860707, MONDO:0013199, OMIM 613254.
Hereditary cancer-predisposing syndrome. Also called: Neoplastic Syndromes, Hereditary; Hereditary Cancer Syndrome; Tumor predisposition; Hereditary neoplastic syndrome. Identifiers: Orphanet 140162, MedGen C0027672, MeSH D009386, MONDO:0015356.

Allele frequency attached by ClinVar (database versions not stated): gnomAD exomes below 0.00001.
gnomAD v4.1: 2 of 1,611,150 alleles (0.00012%); highest among the groups gnomAD compares: Non-Finnish European, 0.00017%; no homozygotes.

Submissions (2):

Myriad Genetics, Inc.
Classification: Benign for Tuberous sclerosis 2. Last evaluated: 2025-06-05. Review status: criteria provided, single submitter. Criteria: Myriad Autosomal Dominant, Autosomal Recessive and X-Linked Classification Criteria (2023). Collection method: clinical testing. Allele origin: unknown.
Comment: This variant is considered benign. This variant is a silent/synonymous amino acid change and it is not expected to impact splicing.

Ambry Genetics
Classification: Likely benign for Hereditary cancer-predisposing syndrome. Last evaluated: 2023-04-13. Review status: criteria provided, single submitter. Criteria: Ambry Variant Classification Scheme 2023. Collection method: clinical testing. Allele origin: germline.

NM_000548.5(TSC2):c.4878C>T (p.Pro1626=)

Gene: TSC2 (TSC complex subunit 2; plus strand). Cytogenetic location: 16p13.3.
Variant type: single nucleotide variant.
Coding change: c.4878C>T on transcript NM_000548.5 (MANE Select); coding-DNA position 4878, C replaced by T.
Protein change: p.Pro1626=; no amino-acid change (proline 1626 retained).
Molecular consequence: synonymous variant. On other transcripts: non-coding transcript variant (4).
Genome position (GRCh38, 1-based): chr16:2,086,760, C>T. VCF-style: chr16-2086760-C-T. GRCh37 (hg19) VCF-style: chr16-2136761-C-T.
Other names: c.4677C>T, p.Pro1559= (NM_001077183.3); c.4809C>T, p.Pro1603= (NM_001114382.3); c.4569C>T, p.Pro1523= (NM_001318827.2); c.4533C>T, p.Pro1511= (NM_001318829.2); c.4146C>T, p.Pro1382= (NM_001318831.2); c.4710C>T, p.Pro1570= (NM_001318832.2); c.4680C>T, p.Pro1560= (NM_001363528.2); c.4746C>T, p.Pro1582= (NM_001370404.1); and 26 more.
Identifiers: ClinVar variation 2564639 (VCV002564639.3), dbSNP rs2151585045, ClinGen allele CA492959771.